The following is an entry in ClinVar:

NM_024753.5(TTC21B):c.2414A>G (p.Tyr805Cys)

Gene: TTC21B (tetratricopeptide repeat domain 21B; minus strand). Cytogenetic location: 2q24.3.
Variant type: single nucleotide variant.
Coding change: c.2414A>G on transcript NM_024753.5 (MANE Select); coding-DNA position 2414, A replaced by G.
Protein change: p.Tyr805Cys; replaces tyrosine 805 with cysteine.
Molecular consequence: missense variant.
Genome position (GRCh38, 1-based): chr2:165,911,374, T>C on the plus strand (A>G on the coding strand, the complement: TTC21B is on the minus strand). VCF-style: chr2-165911374-T-C. GRCh37 (hg19) VCF-style: chr2-166767884-T-C.
Other names: short protein forms Y805C.
Identifiers: ClinVar variation 1975680 (VCV001975680.5), dbSNP rs745836391, ClinGen allele CA1941840.

ClinVar aggregate classification (germline): Uncertain significance (1 of 4 stars; one submission).

Conditions:
Jeune thoracic dystrophy. Also called: Jeune syndrome; Infantile thoracic dystrophy; Thoracic pelvic phalangeal dystrophy; Jeune's syndrome; Chondroectodermal dysplasia-like syndrome; Short-rib thoracic dysplasia. Identifiers: Orphanet 474, MedGen C0265275, MONDO:0018770.
Nephronophthisis. Also called: Juvenile Nephronophthisis. Identifiers: Orphanet 655, MedGen C0687120, MONDO:0019005, HP:0000090.

Allele frequency attached by ClinVar (database versions not stated): gnomAD exomes below 0.00001; TOPMed below 0.00001; ExAC 0.00001; gnomAD 0.00001.
gnomAD v4.1: 8 of 1,613,848 alleles (0.0005%); highest among the groups gnomAD compares: Middle Eastern, 0.016%; no homozygotes.

Submission:

Labcorp Genetics (formerly Invitae), Labcorp
Classification: Uncertain significance for Jeune thoracic dystrophy; Nephronophthisis. Last evaluated: 2022-02-22. Review status: criteria provided, single submitter. Criteria: Invitae Variant Classification Sherloc (09022015). Collection method: clinical testing. Allele origin: germline.
Comment: In summary, the available evidence is currently insufficient to determine the role of this variant in disease. Therefore, it has been classified as a Variant of Uncertain Significance. Algorithms developed to predict the effect of missense changes on protein structure and function are either unavailable or do not agree on the potential impact of this missense change (SIFT: "Deleterious"; PolyPhen-2: "Benign"; Align-GVGD: "Class C55"). This variant has not been reported in the literature in individuals affected with TTC21B-related conditions. This variant is present in population databases (rs745836391, gnomAD 0.003%). This sequence change replaces tyrosine, which is neutral and polar, with cysteine, which is neutral and slightly polar, at codon 805 of the TTC21B protein (p.Tyr805Cys).